The following is an entry in ClinVar:

NM_001372.4(DNAH9):c.9220C>G (p.Leu3074Val)

Gene: DNAH9 (dynein axonemal heavy chain 9; plus strand). Cytogenetic location: 17p12.
Variant type: single nucleotide variant.
Coding change: c.9220C>G on transcript NM_001372.4 (MANE Select); coding-DNA position 9220, C replaced by G.
Protein change: p.Leu3074Val; replaces leucine 3074 with valine.
Molecular consequence: missense variant.
Genome position (GRCh38, 1-based): chr17:11,823,008, C>G. VCF-style: chr17-11823008-C-G. GRCh37 (hg19) VCF-style: chr17-11726325-C-G.
Other names: short protein forms L3074V.
Identifiers: ClinVar variation 2893561 (VCV002893561.1), dbSNP rs373085216, ClinGen allele CA8397163.
Genomic context (GRCh38, chr17:11,823,008, plus strand): 5'-TTGTTGCACAGGCACAGAAAAGAGCTCAAGTGCAAGACAGAGCGGTTGGAGAACGGGCTG[C>G]TGAAGCTGCATAGCACCTCTGCCCAGGTGAGCAATGTCCCGCTCCTTCCACCTGCAGGGG-3'
Protein context (NP_001363.2, residues 3064-3084): CKTERLENGL[Leu3074Val]KLHSTSAQVD

ClinVar aggregate classification (germline): Uncertain significance (1 of 4 stars; one submission).

Allele frequency attached by ClinVar (database versions not stated): gnomAD exomes 0.00001; gnomAD 0.00002; TOPMed 0.00003; ExAC 0.00004; ESP Exome Variant Server 0.00008.
gnomAD v4.1: 29 of 1,613,820 alleles (0.0018%); highest among the groups gnomAD compares: Admixed American, 0.015%; no homozygotes.

Submission:

Labcorp Genetics (formerly Invitae), Labcorp
Classification: Uncertain significance. Last evaluated: 2024-01-07. Review status: criteria provided, single submitter. Criteria: Invitae Variant Classification Sherloc (09022015). Collection method: clinical testing. Allele origin: germline.
Comment: This sequence change replaces leucine, which is neutral and non-polar, with valine, which is neutral and non-polar, at codon 3074 of the DNAH9 protein (p.Leu3074Val). This variant is present in population databases (rs373085216, gnomAD 0.04%). This variant has not been reported in the literature in individuals affected with DNAH9-related conditions. Advanced modeling of protein sequence and biophysical properties (such as structural, functional, and spatial information, amino acid conservation, physicochemical variation, residue mobility, and thermodynamic stability) has been performed at Invitae for this missense variant, however the output from this modeling did not meet the statistical confidence thresholds required to predict the impact of this variant on DNAH9 protein function. In summary, the available evidence is currently insufficient to determine the role of this variant in disease. Therefore, it has been classified as a Variant of Uncertain Significance.